The following is an entry in ClinVar:

ClinVar aggregate classification (germline): Likely benign (1 of 4 stars; one submission).

Submission:

Mayo Clinic Laboratories, Mayo Clinic
Classification: Likely benign. Last evaluated: 2025-11-02. Review status: criteria provided, single submitter. Criteria: ACMG Guidelines, 2015. Collection method: clinical testing. Allele origin: germline. Observed: 1 variant allele.
Comment: BP4, BP7

NM_016529.6(ATP8A2):c.321+13dup

Gene: ATP8A2 (ATPase phospholipid transporting 8A2). Cytogenetic location: 13q12.13.
Variant type: Duplication.
Coding change: c.321+13dup on transcript NM_016529.6 (MANE Select); 13 bases into the intron after coding-DNA position 321, one base duplicated.
Molecular consequence: intron variant.
Genome position: GRCh38 VCF-style: chr13-25530105-G-GT. GRCh37 (hg19) VCF-style: chr13-26104243-G-GT.
Other names: p.?; c.321+13dup (NM_001411005.1, NM_001411006.1); c.201+13dup (NM_001313741.1).
Identifiers: ClinVar variation 4683783 (VCV004683783.1).